The following is an entry in ClinVar:

NM_000157.4(GBA1):c.1172T>C (p.Val391Ala)

Genes: GBA1 (glucosylceramidase beta 1; minus strand), LOC106627981 (GBA recombination region; plus strand). Cytogenetic location: 1q22.
Variant type: single nucleotide variant.
Coding change: c.1172T>C on transcript NM_000157.4 (MANE Select); coding-DNA position 1172, T replaced by C.
Protein change: p.Val391Ala; replaces valine 391 with alanine.
Molecular consequence: missense variant.
Genome position (GRCh38, 1-based): chr1:155,236,297, A>G on the plus strand (T>C on the coding strand, the complement: GBA1 is on the minus strand). VCF-style: chr1-155236297-A-G. GRCh37 (hg19) VCF-style: chr1-155206088-A-G.
Other names: c.1172T>C, p.Val391Ala (NM_001005741.3, NM_001005742.3); c.911T>C, p.Val304Ala (NM_001171811.2); c.1025T>C, p.Val342Ala (NM_001171812.2); short protein forms V304A, V342A, V391A.
Identifiers: ClinVar variation 4817688 (VCV004817688.2).

ClinVar aggregate classification (germline): Likely pathogenic. Review status: criteria provided, multiple submitters, no conflicts (2 of 4 stars). 2 submissions from 2 submitters: Likely pathogenic (2). Last evaluated 2025-02-04.

Conditions:
GBA-related disorder. Also called: GBA-related disorders.
Gaucher disease. Also called: Acute cerebral Gaucher disease; Cerebroside lipidosis syndrome; Gaucher splenomegaly; Sphingolipidosis 1; Glucocerebrosidosis; Glucosylceramidase deficiency. Identifiers: Orphanet 355, MedGen C0017205, MONDO:0018150.

Submissions (2):

Natera, Inc.
Classification: Likely pathogenic for Gaucher disease. Last evaluated: 2025-02-04. Review status: criteria provided, single submitter. Criteria: Natera Variant Classification Schema (03/2026). Collection method: clinical testing. Allele origin: germline.
Comment: The c.1172T>C variant in GBA1 is a missense variant predicted to cause substitution of valine to alanine at amino acid 391. This variant is rare in the general population with a frequency below the threshold expected for the associated phenotype(s). This variant has been observed in one or more individuals affected with the associated recessive disease, as either homozygous or compound heterozygous with a second variant (PMID: 33606887). A different variant at the same position has been determined to be Pathogenic or Likely Pathogenic. Computational prediction algorithms indicate this variant is likely to affect gene or protein function. Given the available evidence, this variant is classified as Likely Pathogenic.

Blueprint Genetics
Classification: Likely pathogenic for GBA-related disorders. Last evaluated: 2019-08-28. Review status: criteria provided, single submitter. Criteria: ACMG Guidelines, 2015. Collection method: clinical testing. Allele origin: germline. Affected: yes. Observed: 2 variant alleles.

Literature cited by the submitters: PubMed 33606887 (cited by Natera, Inc.).